The following is an entry in ClinVar:

ClinVar aggregate classification (germline): Uncertain significance (1 of 4 stars; one submission).

Conditions:
Bethlem myopathy 1A. Also called: Bethlem myopathy 1; Bethlem Muscular Dystrophy; MYOPATHY, BENIGN CONGENITAL, WITH CONTRACTURES. Identifiers: Orphanet 610, MedGen CN029274, MONDO:0024530, OMIM 158810.

Allele frequency attached by ClinVar (database versions not stated): gnomAD exomes below 0.00001; ExAC 0.00002.

Submission:

Labcorp Genetics (formerly Invitae), Labcorp
Classification: Uncertain significance for Bethlem myopathy 1A. Last evaluated: 2021-11-28. Review status: criteria provided, single submitter. Criteria: Invitae Variant Classification Sherloc (09022015). Collection method: clinical testing. Allele origin: germline.
Comment: This sequence change replaces glycine, which is neutral and non-polar, with serine, which is neutral and polar, at codon 2199 of the COL6A3 protein (p.Gly2199Ser). The frequency data for this variant in the population databases is considered unreliable, as metrics indicate poor data quality at this position in the gnomAD database. This variant has not been reported in the literature in individuals affected with COL6A3-related conditions. Advanced modeling of protein sequence and biophysical properties (such as structural, functional, and spatial information, amino acid conservation, physicochemical variation, residue mobility, and thermodynamic stability) performed at Invitae indicates that this missense variant is not expected to disrupt COL6A3 protein function. Algorithms developed to predict the effect of sequence changes on RNA splicing suggest that this variant may create or strengthen a splice site. In summary, the available evidence is currently insufficient to determine the role of this variant in disease. Therefore, it has been classified as a Variant of Uncertain Significance.

NM_004369.4(COL6A3):c.6595G>A (p.Gly2199Ser)

Gene: COL6A3 (collagen type VI alpha 3 chain; minus strand). Cytogenetic location: 2q37.3.
Variant type: single nucleotide variant.
Coding change: c.6595G>A on transcript NM_004369.4 (MANE Select); coding-DNA position 6595, G replaced by A.
Protein change: p.Gly2199Ser; replaces glycine 2199 with serine.
Molecular consequence: missense variant.
Genome position (GRCh38, 1-based): chr2:237,354,931, C>T on the plus strand (G>A on the coding strand, the complement: COL6A3 is on the minus strand). VCF-style: chr2-237354931-C-T. GRCh37 (hg19) VCF-style: chr2-238263574-C-T.
Other names: c.4774G>A, p.Gly1592Ser (NM_057166.5); c.5977G>A, p.Gly1993Ser (NM_057167.4); short protein forms G1592S, G1993S, G2199S.
Identifiers: ClinVar variation 1395637 (VCV001395637.6), dbSNP rs761353795, ClinGen allele CA2188175.